The following is an entry in ClinVar:

NM_003995.4(NPR2):c.2777A>G (p.His926Arg)

Genes: NPR2 (natriuretic peptide receptor 2; plus strand), SPAG8 (sperm associated antigen 8; minus strand). Cytogenetic location: 9p13.3.
Variant type: single nucleotide variant.
Coding change: c.2777A>G on transcript NM_003995.4 (MANE Select); coding-DNA position 2777, A replaced by G.
Protein change: p.His926Arg; replaces histidine 926 with arginine.
Molecular consequence: missense variant. On other transcripts: intron variant (2).
Genome position (GRCh38, 1-based): chr9:35,808,573, A>G. VCF-style: chr9-35808573-A-G. GRCh37 (hg19) VCF-style: chr9-35808570-A-G.
Other names: c.2786A>G, p.His929Arg (NM_001378923.1); c.1201-267T>C (NM_001366760.2); c.1373-267T>C (NM_172312.2); short protein forms H929R, H926R.
Identifiers: ClinVar variation 1506149 (VCV001506149.7), dbSNP rs1470757644, ClinGen allele CA373385020.
Genomic context (GRCh38, chr9:35,808,573, plus strand): 5'-AGACGATTGGGGATGCTTACATGGTGGTATCTGGCCTCCCAGGCCGAAATGGTCAACGCC[A>G]TGCACCAGAAATTGCTCGTATGGCCCTAGCATTACTAGATGCAGTTTCTTCCTTTCGCAT-3'
Protein context (NP_003986.2, residues 916-936): SGLPGRNGQR[His926Arg]APEIARMALA

ClinVar aggregate classification (germline): Uncertain significance (1 of 4 stars; one submission).

Conditions:
Tall stature-scoliosis-macrodactyly of the great toes syndrome. Also called: Epiphyseal chondrodysplasia, miura type. Identifiers: Orphanet 329191, MedGen C4014690, MONDO:0014401, OMIM 615923.
Acromesomelic dysplasia 1, Maroteaux type (AMD1). Also called: ST. HELENA DYSPLASIA; ACROMESOMELIC DYSPLASIA 1. Identifiers: Orphanet 40, MedGen C1864356, MONDO:0011275, OMIM 602875.

Submission:

Labcorp Genetics (formerly Invitae), Labcorp
Classification: Uncertain significance for Tall stature-scoliosis-macrodactyly of the great toes syndrome; Acromesomelic dysplasia 1, Maroteaux type. Last evaluated: 2025-05-04. Review status: criteria provided, single submitter. Criteria: Invitae Variant Classification Sherloc (09022015). Collection method: clinical testing. Allele origin: germline.
Comment: This sequence change replaces histidine, which is basic and polar, with arginine, which is basic and polar, at codon 926 of the NPR2 protein (p.His926Arg). This variant is present in population databases (no rsID available, gnomAD 0.007%). This variant has not been reported in the literature in individuals affected with NPR2-related conditions. ClinVar contains an entry for this variant (Variation ID: 1506149). Invitae Evidence Modeling of protein sequence and biophysical properties (such as structural, functional, and spatial information, amino acid conservation, physicochemical variation, residue mobility, and thermodynamic stability) indicates that this missense variant is expected to disrupt NPR2 protein function with a positive predictive value of 80%. In summary, the available evidence is currently insufficient to determine the role of this variant in disease. Therefore, it has been classified as a Variant of Uncertain Significance.